The following is an entry in ClinVar:

ClinVar aggregate classification (germline): Likely benign. Review status: criteria provided, multiple submitters, no conflicts (2 of 4 stars). 2 submissions from 2 submitters: Likely benign (2). Last evaluated 2026-05-01.

gnomAD v4.1: 42 of 1,614,050 alleles (0.0026%); highest among the groups gnomAD compares: Middle Eastern, 0.033%; no homozygotes.

Submissions (2):

CeGaT Center for Human Genetics Tuebingen
Classification: Likely benign. Last evaluated: 2026-05-01. Review status: criteria provided, single submitter. Criteria: CeGaT Center For Human Genetics Tuebingen Variant Classification Criteria Version 2. Collection method: clinical testing. Allele origin: germline. Affected: yes. Observed: 1 variant allele.
Comment: LRP6: BP4, BP7

Labcorp Genetics (formerly Invitae), Labcorp
Classification: Likely benign. Last evaluated: 2025-12-01. Review status: criteria provided, single submitter. Criteria: Invitae Variant Classification Sherloc (09022015). Collection method: clinical testing. Allele origin: germline.

NM_002336.3(LRP6):c.2178G>A (p.Thr726=)

Gene: LRP6 (LDL receptor related protein 6; minus strand). Cytogenetic location: 12p13.2.
Variant type: single nucleotide variant.
Coding change: c.2178G>A on transcript NM_002336.3 (MANE Select); coding-DNA position 2178, G replaced by A.
Protein change: p.Thr726=; no amino-acid change (threonine 726 retained).
Molecular consequence: synonymous variant. On other transcripts: non-coding transcript variant (1).
Genome position (GRCh38, 1-based): chr12:12,162,294, C>T on the plus strand (G>A on the coding strand, the complement: LRP6 is on the minus strand). VCF-style: chr12-12162294-C-T. GRCh37 (hg19) VCF-style: chr12-12315228-C-T.
Other names: c.2178G>A, p.Thr726= (NM_001414244.1, NM_001414245.1, NM_001414246.1 and 4 more transcripts); c.1980G>A, p.Thr660= (NM_001414247.1); c.1725G>A, p.Thr575= (NM_001414252.1, NM_001414253.1, NM_001414254.1); c.1671G>A, p.Thr557= (NM_001414255.1).
Identifiers: ClinVar variation 3628729 (VCV003628729.4).